The following is an entry in ClinVar:

ClinVar aggregate classification (germline): Likely benign (1 of 4 stars; one submission).

Conditions:
HCN2-related disorder. Also called: HCN2-related condition.

gnomAD v4.1: 8 of 1,612,896 alleles (0.0005%); highest among the groups gnomAD compares: Middle Eastern, 0.034%; no homozygotes.

Submission:

PreventionGenetics, part of Exact Sciences
Classification: Likely benign for HCN2-related condition. Last evaluated: 2025-10-15. Review status: criteria provided, single submitter. Criteria: ACMG Guidelines, 2015. Collection method: clinical testing. Allele origin: germline.
Comment: This variant is classified as likely benign based on ACMG/AMP sequence variant interpretation guidelines (Richards et al. 2015 PMID: 25741868, with internal and published modifications).

NM_001194.4(HCN2):c.1416G>A (p.Ser472=)

Gene: HCN2 (hyperpolarization activated cyclic nucleotide gated potassium and sodium channel 2; plus strand). Cytogenetic location: 19p13.3.
Variant type: single nucleotide variant.
Coding change: c.1416G>A on transcript NM_001194.4 (MANE Select); coding-DNA position 1416, G replaced by A.
Protein change: p.Ser472=; no amino-acid change (serine 472 retained).
Molecular consequence: synonymous variant.
Genome position (GRCh38, 1-based): chr19:608,161, G>A. VCF-style: chr19-608161-G-A. GRCh37 (hg19) VCF-style: chr19-608161-G-A.
Identifiers: ClinVar variation 4980691 (VCV004980691.1).